The following is an entry in ClinVar:

ClinVar aggregate classification (germline): Benign/Likely benign. Review status: criteria provided, multiple submitters, no conflicts (2 of 4 stars). 3 submissions from 3 submitters: Benign (2); Likely benign (1). Last evaluated 2026-01-28.

Allele frequency attached by ClinVar (database versions not stated): 1000 Genomes Project 0.00280; 1000 Genomes Project 30x 0.00359; ESP Exome Variant Server 0.00577; TOPMed 0.00586.
gnomAD v4.1: 12,577 of 1,613,950 alleles (0.78%); highest among the groups gnomAD compares: Non-Finnish European, 0.99%; 70 homozygotes.

Submissions (3):

Labcorp Genetics (formerly Invitae), Labcorp
Classification: Benign. Last evaluated: 2026-01-28. Review status: criteria provided, single submitter. Criteria: Invitae Variant Classification Sherloc (09022015). Collection method: clinical testing. Allele origin: germline.

CeGaT Center for Human Genetics Tuebingen
Classification: Likely benign. Last evaluated: 2022-10-01. Review status: criteria provided, single submitter. Criteria: CeGaT Center For Human Genetics Tuebingen Variant Classification Criteria Version 2. Collection method: clinical testing. Allele origin: germline. Affected: yes. Observed: 1 variant allele.
Comment: SPP2: BP4, BP7, BS2

Breakthrough Genomics
Classification: Benign. Review status: criteria provided, single submitter. Criteria: ACMG Guidelines, 2015. Collection method: not provided. Allele origin: germline. Inheritance: Unknown mechanism. Affected: yes.

NM_006944.3(SPP2):c.174G>T (p.Pro58=)

Gene: SPP2 (secreted phosphoprotein 2; plus strand). Cytogenetic location: 2q37.1.
Variant type: single nucleotide variant.
Coding change: c.174G>T on transcript NM_006944.3 (MANE Select); coding-DNA position 174, G replaced by T.
Protein change: p.Pro58=; no amino-acid change (proline 58 retained).
Molecular consequence: synonymous variant.
Genome position (GRCh38, 1-based): chr2:234,051,059, G>T. VCF-style: chr2-234051059-G-T. GRCh37 (hg19) VCF-style: chr2-234959703-G-T.
Identifiers: ClinVar variation 782239 (VCV000782239.34), dbSNP rs150764101, ClinGen allele CA2183100.